The following is an entry in ClinVar:

ClinVar aggregate classification (germline): Conflicting classifications of pathogenicity. Review status: criteria provided, conflicting classifications (1 of 4 stars). 9 submissions from 8 submitters: Uncertain significance (3); Likely benign (5). 1 of the submissions does not count toward it. Last evaluated 2026-04-16.

Conditions:
RAG1-related disorder. Also called: RAG1-related condition; RAG1-related disorders.
Combined immunodeficiency with skin granulomas. Identifiers: Orphanet 157949, MedGen C2673536, MONDO:0009306, OMIM 233650.
Severe combined immunodeficiency, autosomal recessive, T cell-negative, B cell-negative, NK cell-positive. Also called: SCID, AR, T-cell negative, B-cell negative, NK cell-positive; SCID, T CELL-NEGATIVE, B CELL-NEGATIVE, NK CELL-POSITIVE; Severe combined immunodeficiency due to complete RAG1/2 deficiency. Identifiers: Orphanet 331206, MedGen C1832322, MONDO:0011086, OMIM 601457.
Histiocytic medullary reticulosis. Also called: SEVERE COMBINED IMMUNODEFICIENCY WITH HYPEREOSINOPHILIA; Omenn syndrome. Identifiers: Orphanet 39041, MedGen C2700553, MONDO:0011338, OMIM 603554.

Allele frequency attached by ClinVar (database versions not stated): TOPMed 0.00096; 1000 Genomes Project 30x 0.00125; ESP Exome Variant Server 0.00131; 1000 Genomes Project 0.00140; gnomAD 0.00148 and 0.00149; gnomAD exomes 0.00188 and 0.00193; ExAC 0.00215.

Submissions (9):

Women's Health and Genetics/Laboratory Corporation of America, LabCorp
Classification: Likely benign. Last evaluated: 2026-04-16. Review status: criteria provided, single submitter. Criteria: LabCorp Variant Classification Summary - May 2015. Collection method: clinical testing. Allele origin: germline.
Comment: Variant summary: RAG1 c.3016A>G (p.Met1006Val) results in a conservative amino acid change in the encoded protein sequence. Algorithms developed to predict the effect of missense changes on protein structure and function are either unavailable or do not agree on the potential impact of this missense change. The variant allele was found at a frequency of 0.0019 in 250170 control chromosomes, predominantly at a frequency of 0.0023 within the Non-Finnish European subpopulation in the gnomAD database, including 1 homozygotes. The observed variant frequency within Non-Finnish European control individuals in the gnomAD database is approximately 2.7 fold of the estimated maximal expected allele frequency for a pathogenic variant in RAG1 causing Severe Combined Immunodeficiency Syndrome/Omenn Syndrome phenotype (0.00071), strongly suggesting that the variant is benign. c.3016A>G has been observed in an individual affected with Severe Combined Immunodeficiency Syndrome/Omenn Syndrome but without unequivocal conclusions regarding causation (Sheehan_2009). To our knowledge, no experimental evidence demonstrating an impact on protein function has been reported. The following publication have been ascertained in the context of this evaluation (PMID: 19178939). ClinVar contains an entry for this variant (Variation ID: 536963). Based on the evidence outlined above, the variant was classified as likely benign.

CeGaT Center for Human Genetics Tuebingen
Classification: Likely benign. Last evaluated: 2026-02-01. Review status: criteria provided, single submitter. Criteria: CeGaT Center For Human Genetics Tuebingen Variant Classification Criteria Version 2. Collection method: clinical testing. Allele origin: germline. Affected: yes. Observed: 5 variant alleles.
Comment: RAG1: BS2

Labcorp Genetics (formerly Invitae), Labcorp
Classification: Likely benign for Combined immunodeficiency with skin granulomas; Severe combined immunodeficiency, autosomal recessive, T cell-negative, B cell-negative, NK cell-positive. Last evaluated: 2026-02-01. Review status: criteria provided, single submitter. Criteria: Invitae Variant Classification Sherloc (09022015). Collection method: clinical testing. Allele origin: germline.

Blueprint Genetics
Classification: Likely benign. Last evaluated: 2024-11-22. Review status: criteria provided, single submitter. Criteria: ACMG Guidelines, 2015. Collection method: clinical testing. Allele origin: germline.

Department of Pathology and Laboratory Medicine, Sinai Health System
Classification: Uncertain significance for Combined immunodeficiency with skin granulomas; Severe combined immunodeficiency, autosomal recessive, T cell-negative, B cell-negative, NK cell-positive; Histiocytic medullary reticulosis. Last evaluated: 2021-07-30. Review status: criteria provided, single submitter. Criteria: ACMG Guidelines, 2015. Collection method: research. Allele origin: germline.

GeneDx
Classification: Likely benign. Last evaluated: 2020-08-11. Review status: criteria provided, single submitter. Criteria: GeneDx Variant Classification Process June 2021. Collection method: clinical testing. Allele origin: germline. Affected: yes.
Comment: This variant is associated with the following publications: (PMID: 19178939, 24290284, 22001740, 31388879, 25976673, 22039266, 24472623, 21625022)

Illumina Laboratory Services, Illumina
Classification: Uncertain significance for Histiocytic medullary reticulosis. Last evaluated: 2017-04-27. Review status: criteria provided, single submitter. Criteria: ICSL Variant Classification Criteria 13 December 2019. Collection method: clinical testing. Allele origin: germline.

Illumina Laboratory Services, Illumina
Classification: Uncertain significance for Severe combined immunodeficiency, autosomal recessive, T cell-negative, B cell-negative, NK cell-positive. Last evaluated: 2017-04-27. Review status: criteria provided, single submitter. Criteria: ICSL Variant Classification Criteria 13 December 2019. Collection method: clinical testing. Allele origin: germline.

PreventionGenetics, part of Exact Sciences
Classification: Likely benign for RAG1-related condition. Last evaluated: 2020-05-22. Review status: no assertion criteria provided. Collection method: clinical testing. Allele origin: germline. Not counted in ClinVar's aggregate classification.
Comment: This variant is classified as likely benign based on ACMG/AMP sequence variant interpretation guidelines (Richards et al. 2015 PMID: 25741868, with internal and published modifications).

Literature cited by the submitters: PubMed 19178939 (cited by Women's Health and Genetics/Laboratory Corporation of America, LabCorp).

NM_000448.3(RAG1):c.3016A>G (p.Met1006Val)

Gene: RAG1 (recombination activating 1; plus strand). Cytogenetic location: 11p12.
Variant type: single nucleotide variant.
Coding change: c.3016A>G on transcript NM_000448.3 (MANE Select); coding-DNA position 3016, A replaced by G.
Protein change: p.Met1006Val; replaces methionine 1006 with valine.
Molecular consequence: missense variant.
Genome position (GRCh38, 1-based): chr11:36,576,320, A>G. VCF-style: chr11-36576320-A-G. GRCh37 (hg19) VCF-style: chr11-36597870-A-G.
Other names: c.3016A>G, p.Met1006Val (NM_001377277.1, NM_001377278.1, NM_001377279.1 and 1 more transcripts); short protein forms M1006V.
Identifiers: ClinVar variation 536963 (VCV000536963.45), dbSNP rs139113046, ClinGen allele CA5950353.